The following is an entry in ClinVar:

ClinVar aggregate classification (germline): Uncertain significance (1 of 4 stars; one submission).

Allele frequency attached by ClinVar (database versions not stated): TOPMed 0.00001; gnomAD 0.00002; ExAC 0.00006.

Submission:

Labcorp Genetics (formerly Invitae), Labcorp
Classification: Uncertain significance. Last evaluated: 2024-04-10. Review status: criteria provided, single submitter. Criteria: Invitae Variant Classification Sherloc (09022015). Collection method: clinical testing. Allele origin: germline.
Comment: This sequence change replaces proline, which is neutral and non-polar, with leucine, which is neutral and non-polar, at codon 90 of the CFD protein (p.Pro90Leu). This variant is present in population databases (rs754255966, gnomAD 0.04%). This variant has not been reported in the literature in individuals affected with CFD-related conditions. ClinVar contains an entry for this variant (Variation ID: 1915129). Algorithms developed to predict the effect of missense changes on protein structure and function output the following: SIFT: "Not Available"; PolyPhen-2: "Benign"; Align-GVGD: "Not Available". The leucine amino acid residue is found in multiple mammalian species, which suggests that this missense change does not adversely affect protein function. In summary, the available evidence is currently insufficient to determine the role of this variant in disease. Therefore, it has been classified as a Variant of Uncertain Significance.

NM_001928.4(CFD):c.269C>T (p.Pro90Leu)

Gene: CFD (complement factor D; plus strand). Cytogenetic location: 19p13.3.
Variant type: single nucleotide variant.
Coding change: c.269C>T on transcript NM_001928.4 (MANE Select); coding-DNA position 269, C replaced by T.
Protein change: p.Pro90Leu; replaces proline 90 with leucine.
Molecular consequence: missense variant.
Genome position (GRCh38, 1-based): chr19:860,917, C>T. VCF-style: chr19-860917-C-T. GRCh37 (hg19) VCF-style: chr19-860917-C-T.
Other names: c.290C>T, p.Pro97Leu (NM_001317335.2); short protein forms P90L, P97L.
Identifiers: ClinVar variation 1915129 (VCV001915129.3), dbSNP rs754255966, ClinGen allele CA9026282.